The following is an entry in ClinVar:

NM_001830.4(CLCN4):c.2103G>A (p.Pro701=)

Gene: CLCN4 (Cl-/H+ antiporter 4; plus strand). Cytogenetic location: Xp22.2.
Variant type: single nucleotide variant.
Coding change: c.2103G>A on transcript NM_001830.4 (MANE Select); coding-DNA position 2103, G replaced by A.
Protein change: p.Pro701=; no amino-acid change (proline 701 retained).
Molecular consequence: synonymous variant.
Genome position (GRCh38, 1-based): chrX:10,220,788, G>A. VCF-style: chrX-10220788-G-A. GRCh37 (hg19) VCF-style: chrX-10188828-G-A.
Other names: c.1821G>A, p.Pro607= (NM_001256944.2).
Identifiers: ClinVar variation 4681467 (VCV004681467.5).

ClinVar aggregate classification (germline): Likely benign (1 of 4 stars; one submission).

gnomAD v4.1: 13 of 1,209,961 alleles (0.0011%); highest among the groups gnomAD compares: Admixed American, 0.0044%; no homozygotes.

Submission:

CeGaT Center for Human Genetics Tuebingen
Classification: Likely benign. Last evaluated: 2025-12-01. Review status: criteria provided, single submitter. Criteria: CeGaT Center For Human Genetics Tuebingen Variant Classification Criteria Version 2. Collection method: clinical testing. Allele origin: germline. Affected: yes. Observed: 1 variant allele.
Comment: CLCN4: BP4, BP7